The following is an entry in ClinVar:

NM_004104.5(FASN):c.3538C>T (p.Arg1180Trp)

Gene: FASN (fatty acid synthase; minus strand). Cytogenetic location: 17q25.3.
Variant type: single nucleotide variant.
Coding change: c.3538C>T on transcript NM_004104.5 (MANE Select); coding-DNA position 3538, C replaced by T.
Protein change: p.Arg1180Trp; replaces arginine 1180 with tryptophan.
Molecular consequence: missense variant.
Genome position (GRCh38, 1-based): chr17:82,086,448, G>A on the plus strand (C>T on the coding strand, the complement: FASN is on the minus strand). VCF-style: chr17-82086448-G-A. GRCh37 (hg19) VCF-style: chr17-80044324-G-A.
Other names: short protein forms R1180W.
Identifiers: ClinVar variation 1005846 (VCV001005846.8), dbSNP rs772735121, ClinGen allele CA8852344.

ClinVar aggregate classification (germline): Uncertain significance (1 of 4 stars; one submission).

Conditions:
Epileptic encephalopathy. Identifiers: MedGen C0543888, HP:0200134.

Allele frequency attached by ClinVar (database versions not stated): ExAC 0.00001; TOPMed 0.00005; gnomAD exomes 0.00001; gnomAD 0.00001.
gnomAD v4.1: 34 of 1,612,060 alleles (0.0021%); highest among the groups gnomAD compares: Admixed American, 0.0083%; no homozygotes.

Submission:

Labcorp Genetics (formerly Invitae), Labcorp
Classification: Uncertain significance for Epileptic encephalopathy. Last evaluated: 2025-05-16. Review status: criteria provided, single submitter. Criteria: Invitae Variant Classification Sherloc (09022015). Collection method: clinical testing. Allele origin: germline.
Comment: This sequence change replaces arginine, which is basic and polar, with tryptophan, which is neutral and slightly polar, at codon 1180 of the FASN protein (p.Arg1180Trp). This variant is present in population databases (rs772735121, gnomAD 0.009%). This variant has not been reported in the literature in individuals affected with FASN-related conditions. ClinVar contains an entry for this variant (Variation ID: 1005846). An algorithm developed to predict the effect of missense changes on protein structure and function (PolyPhen-2) suggests that this variant is likely to be tolerated. In summary, the available evidence is currently insufficient to determine the role of this variant in disease. Therefore, it has been classified as a Variant of Uncertain Significance.